The following is an entry in ClinVar:

ClinVar aggregate classification (germline): Uncertain significance. Review status: criteria provided, multiple submitters, no conflicts (2 of 4 stars). 8 submissions from 8 submitters: Uncertain significance (7). 1 of the submissions does not count toward it. Last evaluated 2025-08-07.

Conditions:
Muscular dystrophy-dystroglycanopathy (congenital with brain and eye anomalies), type A3. Also called: Congenital muscular dystrophy-dystroglycanopathy with brain and eye anomalies, type A3; WALKER-WARBURG SYNDROME OR MUSCLE-EYE-BRAIN DISEASE, POMGNT1-RELATED; Muscular dystrophy-dystroglycanopathy (congenital with brain and eye anomalies), type A, 3. Identifiers: MedGen C3151519, MONDO:0009667, OMIM 253280.
Muscular dystrophy-dystroglycanopathy (congenital with impaired intellectual development), type B, 3. Also called: Muscular dystrophy-dystroglycanopathy (congenital with intellectual disability), type B3; MUSCULAR DYSTROPHY, CONGENITAL, POMGNT1-RELATED. Identifiers: MedGen C3150412, MONDO:0013155, OMIM 613151.
Retinitis pigmentosa 76 (RP76). Identifiers: MedGen C4310704, MONDO:0014929, OMIM 617123.
Autosomal recessive limb-girdle muscular dystrophy type 2O. Also called: MUSCULAR DYSTROPHY-DYSTROGLYCANOPATHY, LIMB-GIRDLE, POMGNT1-RELATED; Limb-Girdle Muscular Dystrophy Type 3C; MUSCULAR DYSTROPHY-DYSTROGLYCANOPATHY (LIMB-GIRDLE), TYPE C, 3. Identifiers: Orphanet 206564, MedGen C3150417, MONDO:0013161, OMIM 613157.
Muscle eye brain disease (MEB). Also called: Santavuori congenital muscular dystrophy. Identifiers: Orphanet 588, Orphanet 899, MedGen C0457133, MONDO:0018939.
Inborn genetic diseases. Identifiers: MedGen C0950123, MeSH D030342.

Allele frequency attached by ClinVar (database versions not stated): TOPMed 0.00002.
gnomAD v4.1: 31 of 1,614,176 alleles (0.0019%); highest among the groups gnomAD compares: Middle Eastern, 0.066%; no homozygotes.

Submissions (8):

Revvity Omics, Revvity
Classification: Uncertain significance. Last evaluated: 2025-08-07. Review status: criteria provided, single submitter. Criteria: ACMG Guidelines, 2015. Collection method: clinical testing. Allele origin: germline.

Blueprint Genetics
Classification: Uncertain significance. Last evaluated: 2024-06-19. Review status: criteria provided, single submitter. Criteria: ACMG Guidelines, 2015. Collection method: clinical testing. Allele origin: germline.

Labcorp Genetics (formerly Invitae), Labcorp
Classification: Uncertain significance for Autosomal recessive limb-girdle muscular dystrophy type 2O; Muscular dystrophy-dystroglycanopathy (congenital with impaired intellectual development), type B, 3. Last evaluated: 2022-10-04. Review status: criteria provided, single submitter. Criteria: Invitae Variant Classification Sherloc (09022015). Collection method: clinical testing. Allele origin: germline.
Comment: This sequence change replaces arginine, which is basic and polar, with glycine, which is neutral and non-polar, at codon 486 of the POMGNT1 protein (p.Arg486Gly). This variant is present in population databases (rs534543454, gnomAD 0.002%). This variant has not been reported in the literature in individuals affected with POMGNT1-related conditions. ClinVar contains an entry for this variant (Variation ID: 291060). Advanced modeling of protein sequence and biophysical properties (such as structural, functional, and spatial information, amino acid conservation, physicochemical variation, residue mobility, and thermodynamic stability) performed at Invitae indicates that this missense variant is not expected to disrupt POMGNT1 protein function. In summary, the available evidence is currently insufficient to determine the role of this variant in disease. Therefore, it has been classified as a Variant of Uncertain Significance.

Ambry Genetics
Classification: Uncertain significance for Inborn genetic diseases. Last evaluated: 2022-07-24. Review status: criteria provided, single submitter. Criteria: Ambry Variant Classification Scheme 2023. Collection method: clinical testing. Allele origin: germline.

Fulgent Genetics
Classification: Uncertain significance for Muscular dystrophy-dystroglycanopathy (congenital with brain and eye anomalies), type A3; Muscular dystrophy-dystroglycanopathy (congenital with impaired intellectual development), type B, 3; Autosomal recessive limb-girdle muscular dystrophy type 2O; Retinitis pigmentosa 76. Last evaluated: 2021-12-16. Review status: criteria provided, single submitter. Criteria: ACMG Guidelines, 2015. Collection method: clinical testing. Allele origin: unknown.

Eurofins Ntd Llc (ga)
Classification: Uncertain significance. Last evaluated: 2016-09-20. Review status: criteria provided, single submitter. Criteria: EGL Classification Definitions 2015. Collection method: clinical testing. Allele origin: germline. Observed: 1 variant allele, 1 heterozygote.

Genetic Services Laboratory, University of Chicago
Classification: Uncertain significance. Last evaluated: 2016-08-30. Review status: criteria provided, single submitter. Criteria: ACMG Guidelines, 2015. Collection method: clinical testing. Allele origin: germline. Affected: no.

Natera, Inc.
Classification: Uncertain significance for Muscle-eye-brain disease. Last evaluated: 2020-08-24. Review status: no assertion criteria provided. Collection method: clinical testing. Allele origin: germline. Not counted in ClinVar's aggregate classification.

NM_017739.4(POMGNT1):c.1456C>G (p.Arg486Gly)

Genes: POMGNT1 (protein O-linked mannose N-acetylglucosaminyltransferase 1 (beta 1,2-); minus strand), TSPAN1 (tetraspanin 1; plus strand). Cytogenetic location: 1p34.1.
Variant type: single nucleotide variant.
Coding change: c.1456C>G on transcript NM_017739.4 (MANE Select); coding-DNA position 1456, C replaced by G.
Protein change: p.Arg486Gly; replaces arginine 486 with glycine.
Molecular consequence: missense variant.
Genome position (GRCh38, 1-based): chr1:46,192,181, G>C on the plus strand (C>G on the coding strand, the complement: POMGNT1 is on the minus strand). VCF-style: chr1-46192181-G-C. GRCh37 (hg19) VCF-style: chr1-46657853-G-C.
Other names: c.1456C>G, p.Arg486Gly (NM_001243766.2, NM_001410783.1); c.1390C>G, p.Arg464Gly (NM_001290129.3); c.1027C>G, p.Arg343Gly (NM_001290130.2); short protein forms R486G, R343G, R464G.
Identifiers: ClinVar variation 291060 (VCV000291060.20), dbSNP rs534543454, ClinGen allele CA833365.